The following is an entry in ClinVar:

NM_002579.3(PALM):c.298C>T (p.Arg100Cys)

Gene: PALM (paralemmin; plus strand). Cytogenetic location: 19p13.3.
Variant type: single nucleotide variant.
Coding change: c.298C>T on transcript NM_002579.3 (MANE Select); coding-DNA position 298, C replaced by T.
Protein change: p.Arg100Cys; replaces arginine 100 with cysteine.
Molecular consequence: missense variant.
Genome position (GRCh38, 1-based): chr19:731,123, C>T. VCF-style: chr19-731123-C-T. GRCh37 (hg19) VCF-style: chr19-731123-C-T.
Other names: c.298C>T, p.Arg100Cys (NM_001040134.2); short protein forms R100C.
Identifiers: ClinVar variation 1415467 (VCV001415467.6), dbSNP rs751753740, ClinGen allele CA9022517.

ClinVar aggregate classification (germline): Uncertain significance (1 of 4 stars; one submission).

Allele frequency attached by ClinVar (database versions not stated): gnomAD 0.00001 and 0.00002; TOPMed 0.00002; ExAC 0.00003.

Submission:

Labcorp Genetics (formerly Invitae), Labcorp
Classification: Uncertain significance. Last evaluated: 2024-10-01. Review status: criteria provided, single submitter. Criteria: Invitae Variant Classification Sherloc (09022015). Collection method: clinical testing. Allele origin: germline.
Comment: This sequence change replaces arginine, which is basic and polar, with cysteine, which is neutral and slightly polar, at codon 100 of the PALM protein (p.Arg100Cys). The frequency data for this variant in the population databases is considered unreliable, as metrics indicate poor data quality at this position in the gnomAD database. This variant has not been reported in the literature in individuals affected with PALM-related conditions. ClinVar contains an entry for this variant (Variation ID: 1415467). An algorithm developed to predict the effect of missense changes on protein structure and function (PolyPhen-2) suggests that this variant is likely to be tolerated. In summary, the available evidence is currently insufficient to determine the role of this variant in disease. Therefore, it has been classified as a Variant of Uncertain Significance.